The following is an entry in ClinVar:

NM_002470.4(MYH3):c.1871C>T (p.Thr624Met)

Gene: MYH3 (myosin heavy chain 3; minus strand). Cytogenetic location: 17p13.1.
Variant type: single nucleotide variant.
Coding change: c.1871C>T on transcript NM_002470.4 (MANE Select); coding-DNA position 1871, C replaced by T.
Protein change: p.Thr624Met; replaces threonine 624 with methionine.
Molecular consequence: missense variant.
Genome position (GRCh38, 1-based): chr17:10,642,434, G>A on the plus strand (C>T on the coding strand, the complement: MYH3 is on the minus strand). VCF-style: chr17-10642434-G-A. GRCh37 (hg19) VCF-style: chr17-10545751-G-A.
Other names: short protein forms T624M.
Identifiers: ClinVar variation 1934682 (VCV001934682.5), dbSNP rs200109349, ClinGen allele CA8392929.

ClinVar aggregate classification (germline): Uncertain significance (1 of 4 stars; one submission).

Allele frequency attached by ClinVar (database versions not stated): gnomAD exomes 0.00001; ExAC 0.00004; gnomAD 0.00005; TOPMed 0.00005; 1000 Genomes Project 30x 0.00031; 1000 Genomes Project 0.00040.
gnomAD v4.1: 23 of 1,614,218 alleles (0.0014%); highest among the groups gnomAD compares: Admixed American, 0.028%; no homozygotes.

Submission:

Labcorp Genetics (formerly Invitae), Labcorp
Classification: Uncertain significance. Last evaluated: 2026-01-19. Review status: criteria provided, single submitter. Criteria: Invitae Variant Classification Sherloc (09022015). Collection method: clinical testing. Allele origin: germline.
Comment: This sequence change replaces threonine, which is neutral and polar, with methionine, which is neutral and non-polar, at codon 624 of the MYH3 protein (p.Thr624Met). This variant is present in population databases (rs200109349, gnomAD 0.04%). This variant has not been reported in the literature in individuals affected with MYH3-related conditions. ClinVar contains an entry for this variant (Variation ID: 1934682). Invitae Evidence Modeling of protein sequence and biophysical properties (such as structural, functional, and spatial information, amino acid conservation, physicochemical variation, residue mobility, and thermodynamic stability) indicates that this missense variant is not expected to disrupt MYH3 protein function with a negative predictive value of 95%. In summary, the available evidence is currently insufficient to determine the role of this variant in disease. Therefore, it has been classified as a Variant of Uncertain Significance.